The following is an entry in ClinVar:

NM_001270974.2(HYDIN):c.12382G>C (p.Glu4128Gln)

Gene: HYDIN (HYDIN axonemal central pair apparatus protein; minus strand). Cytogenetic location: 16q22.2.
Variant type: single nucleotide variant.
Coding change: c.12382G>C on transcript NM_001270974.2 (MANE Select); coding-DNA position 12382, G replaced by C.
Protein change: p.Glu4128Gln; replaces glutamic acid 4128 with glutamine.
Molecular consequence: missense variant.
Genome position (GRCh38, 1-based): chr16:70,855,189, C>G on the plus strand (G>C on the coding strand, the complement: HYDIN is on the minus strand). VCF-style: chr16-70855189-C-G. GRCh37 (hg19) VCF-style: chr16-70889092-C-G.
Other names: short protein forms E4128Q.
Identifiers: ClinVar variation 3387851 (VCV003387851.14).
Genomic context (GRCh38, chr16:70,855,189, plus strand): 5'-TGGACAGTGGTGGGATCCAGCCTTCCATGGGACATACAAGCAGGCTGTTGCTGAAACCTT[C>G]AGAATAGCGGGAGTTGTCCTGGAAGGAAAAATCGAACCCCTGCTCCTCCTTGTTAATGAT-3'
Protein context (NP_001257903.1, residues 4118-4138): FSFQDNSRYS[Glu4128Gln]GFSNSLLVCP

ClinVar aggregate classification (germline): Uncertain significance (1 of 4 stars; one submission).

Submission:

CeGaT Center for Human Genetics Tuebingen
Classification: Uncertain significance. Last evaluated: 2024-09-01. Review status: criteria provided, single submitter. Criteria: CeGaT Center For Human Genetics Tuebingen Variant Classification Criteria Version 2. Collection method: clinical testing. Allele origin: germline. Affected: yes. Observed: 1 variant allele.
Comment: HYDIN: PM2, BP4